The following is an entry in ClinVar:

ClinVar aggregate classification (germline): Uncertain significance. Review status: criteria provided, multiple submitters, no conflicts (2 of 4 stars). 2 submissions from 2 submitters: Uncertain significance (2). Last evaluated 2025-05-14.

Conditions:
Cardiovascular phenotype. Identifiers: MedGen CN230736.

gnomAD v4.1: 14 of 1,603,996 alleles (0.00087%); highest among the groups gnomAD compares: Non-Finnish European, 0.0011%; no homozygotes.

Submissions (2):

Women's Health and Genetics/Laboratory Corporation of America, LabCorp
Classification: Uncertain significance. Last evaluated: 2025-05-14. Review status: criteria provided, single submitter. Criteria: LabCorp Variant Classification Summary - May 2015. Collection method: clinical testing. Allele origin: germline.
Comment: Variant summary: TNXB c.5900C>T (p.Thr1967Ile) results in a non-conservative amino acid change in the encoded protein sequence. Algorithms developed to predict the effect of missense changes on protein structure and function are either unavailable or do not agree on the potential impact of this missense change. Consensus agreement among computation tools predict no significant impact on normal splicing. However, these predictions have yet to be confirmed by functional studies. The variant allele was found at a frequency of 4.1e-06 in 241954 control chromosomes (gnomAD). The available data on variant occurrences in the general population are insufficient to allow any conclusion about variant significance. To our knowledge, no occurrence of c.5900C>T in individuals affected with Ehlers-Danlos syndrome due to tenascin-X deficiency and no experimental evidence demonstrating its impact on protein function have been reported. ClinVar contains an entry for this variant (Variation ID: 3809296). Based on the evidence outlined above, the variant was classified as uncertain significance.

Ambry Genetics
Classification: Uncertain significance for Cardiovascular phenotype. Last evaluated: 2025-02-27. Review status: criteria provided, single submitter. Criteria: Ambry Variant Classification Scheme 2023. Collection method: clinical testing. Allele origin: germline.
Comment: The p.T1967I variant (also known as c.5900C>T), located in coding exon 15 of the TNXB gene, results from a C to T substitution at nucleotide position 5900. The threonine at codon 1967 is replaced by isoleucine, an amino acid with similar properties. This amino acid position is conserved. In addition, this alteration is predicted to be tolerated by in silico analysis. Based on the available evidence, the clinical significance of this variant remains unclear.

NM_001365276.2(TNXB):c.5900C>T (p.Thr1967Ile)

Gene: TNXB (tenascin XB; minus strand). Cytogenetic location: 6p21.33.
Variant type: single nucleotide variant.
Coding change: c.5900C>T on transcript NM_001365276.2 (MANE Select); coding-DNA position 5900, C replaced by T.
Protein change: p.Thr1967Ile; replaces threonine 1967 with isoleucine.
Molecular consequence: missense variant.
Genome position (GRCh38, 1-based): chr6:32,068,824, G>A on the plus strand (C>T on the coding strand, the complement: TNXB is on the minus strand). VCF-style: chr6-32068824-G-A. GRCh37 (hg19) VCF-style: chr6-32036601-G-A.
Other names: c.6641C>T, p.Thr2214Ile (NM_001428335.1); c.5900C>T, p.Thr1967Ile (NM_019105.8); short protein forms T2214I, T1967I.
Identifiers: ClinVar variation 3809296 (VCV003809296.2).